The following is an entry in ClinVar:

ClinVar aggregate classification (germline): Conflicting classifications of pathogenicity. Review status: criteria provided, conflicting classifications (1 of 4 stars). 8 submissions from 6 submitters: Uncertain significance (3); Benign (4). 1 of the submissions does not count toward it. Last evaluated 2026-01-19.

Conditions:
Retinitis pigmentosa 12 (RP12). Also called: RP WITH OR WITHOUT PRESERVED PARAARTERIOLE RETINAL PIGMENT EPITHELIUM; RETINITIS PIGMENTOSA WITH OR WITHOUT PARAARTERIOLAR PRESERVATION OF RETINAL PIGMENT EPITHELIUM; RP WITH OR WITHOUT PPRPE. Identifiers: Orphanet 791, MedGen C1838647, MONDO:0010818, OMIM 600105.
Leber congenital amaurosis 8 (LCA8). Identifiers: Orphanet 65, MedGen C3151202, MONDO:0013453, OMIM 613835.
Pigmented paravenous retinochoroidal atrophy. Identifiers: Orphanet 251295, MedGen C1868310, MONDO:0008246, OMIM 172870.
Hereditary macular dystrophy. Also called: Genetic macular dystrophy. Identifiers: MedGen C0339508, MONDO:0020242.
CRB1-related disorder. Also called: CRB1-related disorders; CRB1-related condition.
Retinitis pigmentosa (RP). Identifiers: Orphanet 791, MedGen C0035334, MeSH D012174, MONDO:0019200, OMIM 268000. Inheritance: Autosomal dominant, autosomal recessive and X linked inheritance.

Allele frequency attached by ClinVar (database versions not stated): ESP Exome Variant Server 0.00023; ExAC 0.00028; TOPMed 0.00030; gnomAD 0.00032 and 0.00036; gnomAD exomes 0.00043.
gnomAD v4.1: 397 of 1,614,018 alleles (0.025%); highest among the groups gnomAD compares: Non-Finnish European, 0.0047%; 1 homozygote.

Submissions (9):

Labcorp Genetics (formerly Invitae), Labcorp
Classification: Benign for Leber congenital amaurosis 8; Retinitis pigmentosa 12. Last evaluated: 2026-01-19. Review status: criteria provided, single submitter. Criteria: Invitae Variant Classification Sherloc (09022015). Collection method: clinical testing. Allele origin: germline.

Blueprint Genetics
Classification: Benign. Last evaluated: 2024-11-11. Review status: criteria provided, single submitter. Criteria: ACMG Guidelines, 2015. Collection method: clinical testing. Allele origin: germline.

Fulgent Genetics
Classification: Uncertain significance for Pigmented paravenous retinochoroidal atrophy; Retinitis pigmentosa 12; Leber congenital amaurosis 8. Last evaluated: 2024-04-18. Review status: criteria provided, single submitter. Criteria: ACMG Guidelines, 2015. Collection method: clinical testing. Allele origin: germline.

Department of Pathology and Laboratory Medicine, Sinai Health System
Classification: Uncertain significance for hereditary macular dystrophy. Last evaluated: 2020-07-14. Review status: criteria provided, single submitter. Criteria: ACMG Guidelines, 2015. Collection method: research. Allele origin: germline.

Illumina Laboratory Services, Illumina
Classification: Benign for Retinitis pigmentosa. Last evaluated: 2017-05-12. Review status: criteria provided, single submitter. Criteria: ICSL Variant Classification Criteria 13 December 2019. Collection method: clinical testing. Allele origin: germline.
Comment: This variant was observed as part of a predisposition screen in an ostensibly healthy population. A literature search was performed for the gene, cDNA change, and amino acid change (where applicable). Publications were found based on this search. The evidence from the literature, in combination with allele frequency data from public databases where available, was sufficient to rule this variant out of causing disease. Therefore, this variant is classified as benign.

Illumina Laboratory Services, Illumina
Classification: Benign for Pigmented paravenous retinochoroidal atrophy. Last evaluated: 2017-05-12. Review status: criteria provided, single submitter. Criteria: ICSL Variant Classification Criteria 13 December 2019. Collection method: clinical testing. Allele origin: germline.
Comment: This variant was observed as part of a predisposition screen in an ostensibly healthy population. A literature search was performed for the gene, cDNA change, and amino acid change (where applicable). No publications were found based on this search. Allele frequency data from public databases was too high to be consistent with this variant causing disease. Therefore, this variant is classified as benign.

Illumina Laboratory Services, Illumina
Classification: Uncertain significance for Leber congenital amaurosis 8. Last evaluated: 2017-04-27. Review status: criteria provided, single submitter. Criteria: ICSL Variant Classification Criteria 13 December 2019. Collection method: clinical testing. Allele origin: germline.

PreventionGenetics, part of Exact Sciences
Classification: Benign for CRB1-related condition. Last evaluated: 2020-04-28. Review status: no assertion criteria provided. Collection method: clinical testing. Allele origin: germline. Not counted in ClinVar's aggregate classification.
Comment: This variant is classified as benign based on ACMG/AMP sequence variant interpretation guidelines (Richards et al. 2015 PMID: 25741868, with internal and published modifications).

Dr. Peter K. Rogan Lab, Western University
No classification provided (evidence only). Condition: Colon adenocarcinoma. Review status: no classification provided. Collection method: in vitro. Allele origin: not applicable. Functional consequence: retained intron. Not counted in ClinVar's aggregate classification.

Literature cited by the submitters: PubMed 25097241 (cited by Illumina Laboratory Services, Illumina).

NM_201253.3(CRB1):c.161G>T (p.Cys54Phe)

Gene: CRB1 (crumbs cell polarity complex component 1; plus strand). Cytogenetic location: 1q31.3.
Variant type: single nucleotide variant.
Coding change: c.161G>T on transcript NM_201253.3 (MANE Select); coding-DNA position 161, G replaced by T.
Protein change: p.Cys54Phe; replaces cysteine 54 with phenylalanine.
Molecular consequence: missense variant. On other transcripts: 5 prime UTR variant (1), non-coding transcript variant (2).
Genome position (GRCh38, 1-based): chr1:197,328,512, G>T. VCF-style: chr1-197328512-G-T. GRCh37 (hg19) VCF-style: chr1-197297642-G-T.
Other names: c.161G>T, p.Cys54Phe (NM_001193640.2, NM_001257966.2); c.-47G>T (NM_001257965.2); short protein forms C54F.
Identifiers: ClinVar variation 783191 (VCV000783191.20), dbSNP rs140428156, ClinGen allele CA1311586.